The following is an entry in ClinVar:

NM_006846.4(SPINK5):c.473A>C (p.Gln158Pro)

Gene: SPINK5 (serine peptidase inhibitor Kazal type 5; plus strand). Cytogenetic location: 5q32.
Variant type: single nucleotide variant.
Coding change: c.473A>C on transcript NM_006846.4 (MANE Select); coding-DNA position 473, A replaced by C.
Protein change: p.Gln158Pro; replaces glutamine 158 with proline.
Molecular consequence: missense variant.
Genome position (GRCh38, 1-based): chr5:148,088,604, A>C. VCF-style: chr5-148088604-A-C. GRCh37 (hg19) VCF-style: chr5-147468167-A-C.
Other names: c.473A>C, p.Gln158Pro (NM_001127698.2, NM_001127699.2); short protein forms Q158P.
Identifiers: ClinVar variation 2882574 (VCV002882574.2), dbSNP rs1357774132, ClinGen allele CA361890251.

ClinVar aggregate classification (germline): Uncertain significance. Review status: criteria provided, multiple submitters, no conflicts (2 of 4 stars). 2 submissions from 2 submitters: Uncertain significance (2). Last evaluated 2025-08-20.

Conditions:
Inborn genetic diseases. Identifiers: MedGen C0950123, MeSH D030342.
Ichthyosis linearis circumflexa. Identifiers: MedGen C0265962, MONDO:0043106, HP:0025810.

Allele frequency attached by ClinVar (database versions not stated): TOPMed 0.00001; gnomAD 0.00002; gnomAD exomes 0.00004.
gnomAD v4.1: 64 of 1,611,456 alleles (0.004%); highest among the groups gnomAD compares: Non-Finnish European, 0.005%; no homozygotes.

Submissions (2):

Ambry Genetics
Classification: Uncertain significance for Inborn genetic diseases. Last evaluated: 2025-08-20. Review status: criteria provided, single submitter. Criteria: Ambry Variant Classification Scheme 2023. Collection method: clinical testing. Allele origin: germline.

Labcorp Genetics (formerly Invitae), Labcorp
Classification: Uncertain significance for Ichthyosis linearis circumflexa. Last evaluated: 2023-06-09. Review status: criteria provided, single submitter. Criteria: Invitae Variant Classification Sherloc (09022015). Collection method: clinical testing. Allele origin: germline.
Comment: In summary, the available evidence is currently insufficient to determine the role of this variant in disease. Therefore, it has been classified as a Variant of Uncertain Significance. Algorithms developed to predict the effect of sequence changes on RNA splicing suggest that this variant may disrupt the consensus splice site. An algorithm developed to predict the effect of missense changes on protein structure and function (PolyPhen-2) suggests that this variant¬†is likely to be tolerated. This variant has not been reported in the literature in individuals affected with SPINK5-related conditions. This variant is present in population databases (no rsID available, gnomAD 0.0009%). This sequence change replaces glutamine, which is neutral and polar, with proline, which is neutral and non-polar, at codon 158 of the SPINK5 protein (p.Gln158Pro).